The following is an entry in ClinVar:

NM_001042492.3(NF1):c.1390C>T (p.Pro464Ser)

Gene: NF1 (neurofibromin 1; plus strand). Cytogenetic location: 17q11.2.
Variant type: single nucleotide variant.
Coding change: c.1390C>T on transcript NM_001042492.3 (MANE Select); coding-DNA position 1390, C replaced by T.
Protein change: p.Pro464Ser; replaces proline 464 with serine.
Molecular consequence: missense variant.
Genome position (GRCh38, 1-based): chr17:31,206,369, C>T. VCF-style: chr17-31206369-C-T. GRCh37 (hg19) VCF-style: chr17-29533387-C-T.
Other names: c.1390C>T, p.Pro464Ser (NM_000267.4, NM_001128147.3); short protein forms P464S.
Identifiers: ClinVar variation 2191759 (VCV002191759.4), dbSNP rs2143915570, ClinGen allele CA398999944.

ClinVar aggregate classification (germline): Uncertain significance (1 of 4 stars; one submission).

Conditions:
Neurofibromatosis, type 1 (NF1). Also called: VON RECKLINGHAUSEN DISEASE; Neurofibromatosis, type I; NEUROFIBROMATOSIS, TYPE I, SOMATIC; Peripheral type neurofibromatosis. Identifiers: Orphanet 636, MedGen C0027831, MONDO:0018975, OMIM 162200. Disease mechanism: loss of function.

Submission:

Labcorp Genetics (formerly Invitae), Labcorp
Classification: Uncertain significance for Neurofibromatosis, type 1. Last evaluated: 2023-06-21. Review status: criteria provided, single submitter. Criteria: Invitae Variant Classification Sherloc (09022015). Collection method: clinical testing. Allele origin: germline.
Comment: In summary, the available evidence is currently insufficient to determine the role of this variant in disease. Therefore, it has been classified as a Variant of Uncertain Significance. An algorithm developed to predict the effect of missense changes on protein structure and function (PolyPhen-2) suggests that this variant is likely to be tolerated. ClinVar contains an entry for this variant (Variation ID: 2191759). This variant has not been reported in the literature in individuals affected with NF1-related conditions. This variant is not present in population databases (gnomAD no frequency). This sequence change replaces proline, which is neutral and non-polar, with serine, which is neutral and polar, at codon 464 of the NF1 protein (p.Pro464Ser).